The following is an entry in ClinVar:

NM_014264.5(PLK4):c.2051G>A (p.Arg684Gln)

Gene: PLK4 (polo like kinase 4; plus strand). Cytogenetic location: 4q28.1.
Variant type: single nucleotide variant.
Coding change: c.2051G>A on transcript NM_014264.5 (MANE Select); coding-DNA position 2051, G replaced by A.
Protein change: p.Arg684Gln; replaces arginine 684 with glutamine.
Molecular consequence: missense variant.
Genome position (GRCh38, 1-based): chr4:127,892,377, G>A. VCF-style: chr4-127892377-G-A. GRCh37 (hg19) VCF-style: chr4-128813532-G-A.
Other names: c.1955G>A, p.Arg652Gln (NM_001190799.2); c.1928G>A, p.Arg643Gln (NM_001190801.2); short protein forms R652Q, R643Q, R684Q.
Identifiers: ClinVar variation 848674 (VCV000848674.4), dbSNP rs749534278, ClinGen allele CA3076939.
Genomic context (GRCh38, chr4:127,892,377, plus strand): 5'-GTCAGGTCAACACTTTCTTCCCTAATGTTAAGTATTTTTTTTCCTTAGAAAAATACTGGC[G>A]AAAATATCAATATGCTTCCAGGTTTGTACAGCTTGTAAGATCTAAATCTCCCAAAATCAC-3'
Protein context (NP_055079.3, residues 674-694): SFDNLPEKYW[Arg684Gln]KYQYASRFVQ

ClinVar aggregate classification (germline): Uncertain significance. Review status: criteria provided, multiple submitters, no conflicts (2 of 4 stars). 2 submissions from 2 submitters: Uncertain significance (2). Last evaluated 2024-03-05.

Conditions:
Inborn genetic diseases. Identifiers: MedGen C0950123, MeSH D030342.

Allele frequency attached by ClinVar (database versions not stated): gnomAD exomes 0.00002; ExAC 0.00003; gnomAD 0.00003; TOPMed 0.00004.
gnomAD v4.1: 29 of 1,561,964 alleles (0.0019%); highest among the groups gnomAD compares: African/African-American, 0.0071%; no homozygotes.

Submissions (2):

Ambry Genetics
Classification: Uncertain significance for Inborn genetic diseases. Last evaluated: 2024-03-05. Review status: criteria provided, single submitter. Criteria: Ambry Variant Classification Scheme 2023. Collection method: clinical testing. Allele origin: germline.

Labcorp Genetics (formerly Invitae), Labcorp
Classification: Uncertain significance. Last evaluated: 2022-10-13. Review status: criteria provided, single submitter. Criteria: Invitae Variant Classification Sherloc (09022015). Collection method: clinical testing. Allele origin: germline.
Comment: This sequence change replaces arginine, which is basic and polar, with glutamine, which is neutral and polar, at codon 684 of the PLK4 protein (p.Arg684Gln). This variant is present in population databases (rs749534278, gnomAD 0.02%). This variant has not been reported in the literature in individuals affected with PLK4-related conditions. ClinVar contains an entry for this variant (Variation ID: 848674). Algorithms developed to predict the effect of missense changes on protein structure and function are either unavailable or do not agree on the potential impact of this missense change (SIFT: "Deleterious"; PolyPhen-2: "Benign"; Align-GVGD: "Class C0"). Algorithms developed to predict the effect of sequence changes on RNA splicing suggest that this variant may disrupt the consensus splice site. In summary, the available evidence is currently insufficient to determine the role of this variant in disease. Therefore, it has been classified as a Variant of Uncertain Significance.